The following is an entry in ClinVar:

NM_000065.5(C6):c.1792G>C (p.Gly598Arg)

Gene: C6 (complement C6; minus strand). Cytogenetic location: 5p13.1.
Variant type: single nucleotide variant.
Coding change: c.1792G>C on transcript NM_000065.5 (MANE Select); coding-DNA position 1792, G replaced by C.
Protein change: p.Gly598Arg; replaces glycine 598 with arginine.
Molecular consequence: missense variant.
Genome position (GRCh38, 1-based): chr5:41,159,146, C>G on the plus strand (G>C on the coding strand, the complement: C6 is on the minus strand). VCF-style: chr5-41159146-C-G. GRCh37 (hg19) VCF-style: chr5-41159248-C-G.
Other names: c.1792G>C, p.Gly598Arg (NM_001115131.4); short protein forms G598R.
Identifiers: ClinVar variation 1367290 (VCV001367290.3), dbSNP rs764310313, ClinGen allele CA3252337.

ClinVar aggregate classification (germline): Uncertain significance (1 of 4 stars; one submission).

Allele frequency attached by ClinVar (database versions not stated): gnomAD exomes 0.00001; ExAC 0.00002; gnomAD 0.00002; TOPMed 0.00002.
gnomAD v4.1: 25 of 1,613,594 alleles (0.0015%); highest among the groups gnomAD compares: Admixed American, 0.005%; no homozygotes.

Submission:

Labcorp Genetics (formerly Invitae), Labcorp
Classification: Uncertain significance. Last evaluated: 2022-08-16. Review status: criteria provided, single submitter. Criteria: Invitae Variant Classification Sherloc (09022015). Collection method: clinical testing. Allele origin: germline.
Comment: This sequence change replaces glycine, which is neutral and non-polar, with arginine, which is basic and polar, at codon 598 of the C6 protein (p.Gly598Arg). This variant is present in population databases (rs764310313, gnomAD 0.006%). This variant has not been reported in the literature in individuals affected with C6-related conditions. ClinVar contains an entry for this variant (Variation ID: 1367290). Algorithms developed to predict the effect of missense changes on protein structure and function are either unavailable or do not agree on the potential impact of this missense change (SIFT: "Deleterious"; PolyPhen-2: "Probably Damaging"; Align-GVGD: "Class C0"). In summary, the available evidence is currently insufficient to determine the role of this variant in disease. Therefore, it has been classified as a Variant of Uncertain Significance.